The following is an entry in ClinVar:

ClinVar aggregate classification (germline): Uncertain significance. Review status: criteria provided, multiple submitters, no conflicts (2 of 4 stars). 3 submissions from 3 submitters: Uncertain significance (2). 1 of the submissions does not count toward it. Last evaluated 2025-11-26.

Conditions:
KIDINS220-related disorder. Also called: KIDINS220-related condition.
Inborn genetic diseases. Identifiers: MedGen C0950123, MeSH D030342.

Allele frequency attached by ClinVar (database versions not stated): TOPMed below 0.00001; gnomAD 0.00001; ExAC 0.00002; gnomAD exomes 0.00002.
gnomAD v4.1: 32 of 1,610,120 alleles (0.002%); highest among the groups gnomAD compares: Middle Eastern, 0.049%; no homozygotes.

Submissions (3):

Ambry Genetics
Classification: Uncertain significance for Inborn genetic diseases. Last evaluated: 2025-11-26. Review status: criteria provided, single submitter. Criteria: Ambry Variant Classification Scheme 2023. Collection method: clinical testing. Allele origin: germline.

Labcorp Genetics (formerly Invitae), Labcorp
Classification: Uncertain significance. Last evaluated: 2024-04-15. Review status: criteria provided, single submitter. Criteria: Invitae Variant Classification Sherloc (09022015). Collection method: clinical testing. Allele origin: germline.
Comment: This sequence change replaces threonine, which is neutral and polar, with alanine, which is neutral and non-polar, at codon 989 of the KIDINS220 protein (p.Thr989Ala). This variant is present in population databases (rs774557577, gnomAD 0.01%). This variant has not been reported in the literature in individuals affected with KIDINS220-related conditions. ClinVar contains an entry for this variant (Variation ID: 2417729). An algorithm developed to predict the effect of missense changes on protein structure and function (PolyPhen-2) suggests that this variant is likely to be tolerated. In summary, the available evidence is currently insufficient to determine the role of this variant in disease. Therefore, it has been classified as a Variant of Uncertain Significance.

PreventionGenetics, part of Exact Sciences
Classification: Uncertain significance for KIDINS220-related condition. Last evaluated: 2024-04-17. Review status: no assertion criteria provided. Collection method: clinical testing. Allele origin: germline. Not counted in ClinVar's aggregate classification.
Comment: The KIDINS220 c.2965A>G variant is predicted to result in the amino acid substitution p.Thr989Ala. To our knowledge, this variant has not been reported in the literature. This variant is reported in 0.0099% of alleles in individuals of South Asian descent in gnomAD. At this time, the clinical significance of this variant is uncertain due to the absence of conclusive functional and genetic evidence.

NM_020738.4(KIDINS220):c.2965A>G (p.Thr989Ala)

Gene: KIDINS220 (kinase D interacting substrate 220; minus strand). Cytogenetic location: 2p25.1.
Variant type: single nucleotide variant.
Coding change: c.2965A>G on transcript NM_020738.4 (MANE Select); coding-DNA position 2965, A replaced by G.
Protein change: p.Thr989Ala; replaces threonine 989 with alanine.
Molecular consequence: missense variant. On other transcripts: non-coding transcript variant (2).
Genome position (GRCh38, 1-based): chr2:8,770,716, T>C on the plus strand (A>G on the coding strand, the complement: KIDINS220 is on the minus strand). VCF-style: chr2-8770716-T-C. GRCh37 (hg19) VCF-style: chr2-8910846-T-C.
Other names: c.2965A>G (NM_020738.2); c.2968A>G, p.Thr990Ala (NM_001348729.2, NM_001348731.2, NM_001348734.2 and 3 more transcripts); c.2965A>G, p.Thr989Ala (NM_001348732.2, NM_001348735.2, NM_001348738.2 and 3 more transcripts); c.2839A>G, p.Thr947Ala (NM_001348736.2); short protein forms T947A, T989A, T990A.
Identifiers: ClinVar variation 2417729 (VCV002417729.8), dbSNP rs774557577, ClinGen allele CA1519839.